The following is an entry in ClinVar:

NM_021098.3(CACNA1H):c.4929+8C>G

Gene: CACNA1H (calcium voltage-gated channel subunit alpha1 H; plus strand). Cytogenetic location: 16p13.3.
Variant type: single nucleotide variant.
Coding change: c.4929+8C>G on transcript NM_021098.3 (MANE Select); 8 bases into the intron after coding-DNA position 4929, C replaced by G.
Molecular consequence: intron variant.
Genome position (GRCh38, 1-based): chr16:1,213,939, C>G. VCF-style: chr16-1213939-C-G. GRCh37 (hg19) VCF-style: chr16-1263939-C-G.
Other names: c.4911+8C>G (NM_001005407.2).
Identifiers: ClinVar variation 3042066 (VCV003042066.3), dbSNP rs59027578, ClinGen allele CA7801673.

ClinVar aggregate classification (germline): Likely benign. Review status: criteria provided, single submitter (1 of 4 stars). 2 submissions from 2 submitters: Likely benign (1). 1 of the submissions does not count toward it. Last evaluated 2024-10-04.

Conditions:
CACNA1H-related disorder.

Allele frequency attached by ClinVar (database versions not stated): 1000 Genomes Project 30x 0.00016.
gnomAD v4.1: 206 of 1,607,200 alleles (0.013%); highest among the groups gnomAD compares: African/African-American, 0.023%; 1 homozygote.

Submissions (2):

Blueprint Genetics
Classification: Likely benign. Last evaluated: 2024-10-04. Review status: criteria provided, single submitter. Criteria: ACMG Guidelines, 2015. Collection method: clinical testing. Allele origin: germline.

PreventionGenetics, part of Exact Sciences
Classification: Likely benign for CACNA1H-related condition. Last evaluated: 2019-05-09. Review status: no assertion criteria provided. Collection method: clinical testing. Allele origin: germline. Not counted in ClinVar's aggregate classification.
Comment: This variant is classified as likely benign based on ACMG/AMP sequence variant interpretation guidelines (Richards et al. 2015 PMID: 25741868, with internal and published modifications).